The following is an entry in ClinVar:

NM_006648.4(WNK2):c.4321G>A (p.Glu1441Lys)

Gene: WNK2 (WNK lysine deficient protein kinase 2; plus strand). Cytogenetic location: 9q22.31.
Variant type: single nucleotide variant.
Coding change: c.4321G>A on transcript NM_006648.4 (MANE Select); coding-DNA position 4321, G replaced by A.
Protein change: p.Glu1441Lys; replaces glutamic acid 1441 with lysine.
Molecular consequence: missense variant.
Genome position (GRCh38, 1-based): chr9:93,289,075, G>A. VCF-style: chr9-93289075-G-A. GRCh37 (hg19) VCF-style: chr9-96051357-G-A.
Other names: c.4432G>A, p.Glu1478Lys (NM_001282394.3); short protein forms E1441K, E1478K.
Identifiers: ClinVar variation 3816782 (VCV003816782.1).

ClinVar aggregate classification (germline): Uncertain significance (1 of 4 stars; one submission).

gnomAD v4.1: 13 of 1,607,364 alleles (0.00081%); highest among the groups gnomAD compares: East Asian, 0.009%; no homozygotes.

Submission:

Ambry Genetics
Classification: Uncertain significance. Last evaluated: 2025-01-08. Review status: criteria provided, single submitter. Criteria: Ambry Variant Classification Scheme 2023. Collection method: clinical testing. Allele origin: germline.
Comment: The p.E1441K variant (also known as c.4321G>A), located in coding exon 19 of the WNK2 gene, results from a G to A substitution at nucleotide position 4321. The glutamic acid at codon 1441 is replaced by lysine, an amino acid with similar properties. This amino acid position is conserved. In addition, this alteration is predicted to be tolerated by in silico analysis. Based on the available evidence, the clinical significance of this variant remains unclear.